The following is an entry in ClinVar:

ClinVar aggregate classification (germline): Conflicting classifications of pathogenicity. Review status: criteria provided, conflicting classifications (1 of 4 stars). 3 submissions from 3 submitters: Uncertain significance (2); Likely benign (1). Last evaluated 2024-08-08.

Conditions:
Hereditary cancer-predisposing syndrome. Also called: Tumor predisposition; Neoplastic Syndromes, Hereditary; Hereditary Cancer Syndrome; Hereditary neoplastic syndrome. Identifiers: Orphanet 140162, MedGen C0027672, MeSH D009386, MONDO:0015356.
Tuberous sclerosis 2 (TSC2). Identifiers: Orphanet 805, MedGen C1860707, MONDO:0013199, OMIM 613254.

Allele frequency attached by ClinVar (database versions not stated): TOPMed below 0.00001.

Submissions (3):

GeneDx
Classification: Uncertain significance. Last evaluated: 2024-08-08. Review status: criteria provided, single submitter. Criteria: GeneDx Variant Classification Process June 2021. Collection method: clinical testing. Allele origin: germline. Affected: yes.
Comment: Not observed at significant frequency in large population cohorts (gnomAD); In silico analysis indicates that this missense variant does not alter protein structure/function; Has not been previously published as pathogenic or benign to our knowledge

Ambry Genetics
Classification: Likely benign for Hereditary cancer-predisposing syndrome. Last evaluated: 2022-05-19. Review status: criteria provided, single submitter. Criteria: Ambry Variant Classification Scheme 2023. Collection method: clinical testing. Allele origin: germline.

Labcorp Genetics (formerly Invitae), Labcorp
Classification: Uncertain significance for Tuberous sclerosis 2. Last evaluated: 2022-03-21. Review status: criteria provided, single submitter. Criteria: Invitae Variant Classification Sherloc (09022015). Collection method: clinical testing. Allele origin: germline.
Comment: This sequence change replaces glutamic acid, which is acidic and polar, with aspartic acid, which is acidic and polar, at codon 1801 of the TSC2 protein (p.Glu1801Asp). This variant is not present in population databases (gnomAD no frequency). This variant has not been reported in the literature in individuals affected with TSC2-related conditions. ClinVar contains an entry for this variant (Variation ID: 405970). Advanced modeling of protein sequence and biophysical properties (such as structural, functional, and spatial information, amino acid conservation, physicochemical variation, residue mobility, and thermodynamic stability) performed at Invitae indicates that this missense variant is not expected to disrupt TSC2 protein function. In summary, the available evidence is currently insufficient to determine the role of this variant in disease. Therefore, it has been classified as a Variant of Uncertain Significance.

NM_000548.5(TSC2):c.5403G>T (p.Glu1801Asp)

Gene: TSC2 (TSC complex subunit 2; plus strand). Cytogenetic location: 16p13.3.
Variant type: single nucleotide variant.
Coding change: c.5403G>T on transcript NM_000548.5 (MANE Select); coding-DNA position 5403, G replaced by T.
Protein change: p.Glu1801Asp; replaces glutamic acid 1801 with aspartic acid.
Molecular consequence: missense variant.
Genome position (GRCh38, 1-based): chr16:2,088,589, G>T. VCF-style: chr16-2088589-G-T. GRCh37 (hg19) VCF-style: chr16-2138590-G-T.
Other names: c.5202G>T, p.Glu1734Asp (NM_001077183.3); c.5334G>T, p.Glu1778Asp (NM_001114382.3); c.5094G>T, p.Glu1698Asp (NM_001318827.2); c.5058G>T, p.Glu1686Asp (NM_001318829.2); c.4671G>T, p.Glu1557Asp (NM_001318831.2); c.5235G>T, p.Glu1745Asp (NM_001318832.2); c.5205G>T, p.Glu1735Asp (NM_001363528.2); c.5271G>T, p.Glu1757Asp (NM_001370404.1); and 2 more; short protein forms E1801D, E1698D, E1745D, E1757D, E1758D, E1778D, E1557D, E1735D.
Identifiers: ClinVar variation 405970 (VCV000405970.12), dbSNP rs1060500918, ClinGen allele CA16615209.
Genomic context (GRCh38, chr16:2,088,589, plus strand): 5'-AGCCGAGCCCACACCTGGCTATGAGGTGGGCCAGCGGAAGCGCCTCATCTCCTCGGTGGA[G>T]GACTTCACCGAGTTTGTGTGAGGCCGGGGCCCTCCCTCCTGCACTGGCCTTGGACGGTAT-3'
Protein context (NP_000539.2, residues 1791-1807): GQRKRLISSV[Glu1801Asp]DFTEFV